The following is an entry in ClinVar:

NM_000278.5(PAX2):c.584G>A (p.Arg195His)

Gene: PAX2 (paired box 2; plus strand). Cytogenetic location: 10q24.31.
Variant type: single nucleotide variant.
Coding change: c.584G>A on transcript NM_000278.5 (MANE Select); coding-DNA position 584, G replaced by A.
Protein change: p.Arg195His; replaces arginine 195 with histidine.
Molecular consequence: missense variant.
Genome position (GRCh38, 1-based): chr10:100,781,333, G>A. VCF-style: chr10-100781333-G-A. GRCh37 (hg19) VCF-style: chr10-102541090-G-A.
Other names: c.584G>A (NM_003990.4, NM_003987.3); c.677G>A, p.Arg226His (NM_001304569.2); c.584G>A, p.Arg195His (NM_003987.5, NM_003988.5, NM_003989.5 and 1 more transcripts); short protein forms R195H, R226H.
Identifiers: ClinVar variation 1034942 (VCV001034942.12), dbSNP rs201880460, ClinGen allele CA5650766.

ClinVar aggregate classification (germline): Uncertain significance. Review status: criteria provided, multiple submitters, no conflicts (2 of 4 stars). 5 submissions from 5 submitters: Uncertain significance (5). Last evaluated 2026-08-01.

Conditions:
Inborn genetic diseases. Identifiers: MedGen C0950123, MeSH D030342.
PAX2-Related Disorder. Also called: PAX2-related disorders. Identifiers: MedGen CN381309.
Renal coloboma syndrome (PAPRS). Also called: CONGENITAL ANOMALIES OF THE KIDNEY AND URINARY TRACT WITH OR WITHOUT OCULAR ABNORMALITIES; CAKUT WITH OR WITHOUT OCULAR ABNORMALITIES; OPTIC COLOBOMA, VESICOURETERAL REFLUX, AND RENAL ANOMALIES; OPTIC NERVE COLOBOMA WITH RENAL DISEASE; RENAL-COLOBOMA SYNDROME WITH MACULAR ABNORMALITIES; PAPILLORENAL SYNDROME. Identifiers: Orphanet 1475, MedGen C1852759, MONDO:0007352, OMIM 120330.
Focal segmental glomerulosclerosis 7 (FSGS7). Identifiers: Orphanet 656, MedGen C4014925, MONDO:0014451, OMIM 616002.

Allele frequency attached by ClinVar (database versions not stated): ExAC 0.00003; gnomAD 0.00004; gnomAD exomes 0.00004; TOPMed 0.00006; 1000 Genomes Project 30x 0.00016; 1000 Genomes Project 0.00020.

Submissions (5):

CeGaT Center for Human Genetics Tuebingen
Classification: Uncertain significance. Last evaluated: 2026-08-01. Review status: criteria provided, single submitter. Criteria: CeGaT Center For Human Genetics Tuebingen Variant Classification Criteria Version 2. Collection method: clinical testing. Allele origin: germline. Affected: yes. Observed: 2 variant alleles.
Comment: PAX2: PP3

Labcorp Genetics (formerly Invitae), Labcorp
Classification: Uncertain significance for Renal coloboma syndrome; Focal segmental glomerulosclerosis 7. Last evaluated: 2025-12-06. Review status: criteria provided, single submitter. Criteria: Invitae Variant Classification Sherloc (09022015). Collection method: clinical testing. Allele origin: germline.
Comment: This sequence change replaces arginine, which is basic and polar, with histidine, which is basic and polar, at codon 195 of the PAX2 protein (p.Arg195His). This variant is present in population databases (rs201880460, gnomAD 0.05%). This variant has not been reported in the literature in individuals affected with PAX2-related conditions. ClinVar contains an entry for this variant (Variation ID: 1034942). An algorithm developed to predict the effect of missense changes on protein structure and function (PolyPhen-2) suggests that this variant is likely to be disruptive. In summary, the available evidence is currently insufficient to determine the role of this variant in disease. Therefore, it has been classified as a Variant of Uncertain Significance.

Ambry Genetics
Classification: Uncertain significance for Inborn genetic diseases. Last evaluated: 2022-10-03. Review status: criteria provided, single submitter. Criteria: Ambry Variant Classification Scheme 2023. Collection method: clinical testing. Allele origin: germline.

PreventionGenetics, part of Exact Sciences
Classification: Uncertain significance for PAX2-related condition. Last evaluated: 2022-09-06. Review status: criteria provided, single submitter. Criteria: ACMG Guidelines, 2015. Collection method: clinical testing. Allele origin: germline.
Comment: The PAX2 c.584G>A variant is predicted to result in the amino acid substitution p.Arg195His. To our knowledge, this variant has not been reported in the literature. This variant is reported in 0.058% of alleles in individuals of Ashkenazi Jewish descent in gnomAD. At this time, the clinical significance of this variant is uncertain due to the absence of conclusive functional and genetic evidence.

Fulgent Genetics
Classification: Uncertain significance for Renal coloboma syndrome; Focal segmental glomerulosclerosis 7. Last evaluated: 2021-11-15. Review status: criteria provided, single submitter. Criteria: ACMG Guidelines, 2015. Collection method: clinical testing. Allele origin: unknown.